The following is an entry in ClinVar:

NM_000836.4(GRIN2D):c.3022T>C (p.Phe1008Leu)

Gene: GRIN2D (glutamate ionotropic receptor NMDA type subunit 2D; plus strand). Cytogenetic location: 19q13.33.
Variant type: single nucleotide variant.
Coding change: c.3022T>C on transcript NM_000836.4 (MANE Select); coding-DNA position 3022, T replaced by C.
Protein change: p.Phe1008Leu; replaces phenylalanine 1008 with leucine.
Molecular consequence: missense variant.
Genome position (GRCh38, 1-based): chr19:48,442,948, T>C. VCF-style: chr19-48442948-T-C. GRCh37 (hg19) VCF-style: chr19-48946205-T-C.
Other names: short protein forms F1008L.
Identifiers: ClinVar variation 1701776 (VCV001701776.1), dbSNP rs2147476513, ClinGen allele CA406674675.

ClinVar aggregate classification (germline): Uncertain significance (1 of 4 stars; one submission).

Conditions:
Developmental and epileptic encephalopathy, 46 (DEE46). Also called: GRIN2D-Related Developmental and Epileptic Encephalopathy; Epileptic encephalopathy, early infantile, 46. Identifiers: MedGen C4310687, MONDO:0014947, OMIM 617162.

Submission:

New York Genome Center
Classification: Uncertain significance for Developmental and epileptic encephalopathy, 46. Last evaluated: 2021-09-26. Review status: criteria provided, single submitter. Criteria: NYGC Assertion Criteria 2020. Collection method: clinical testing. Allele origin: germline. Observed: 1 heterozygote. Study: CSER-NYCKidSeq.
Comment: The c.3022T>C (p.Phe1008Leu) variant identified in the GRIN2D gene substitutes a moderately conserved Phenylalanine for Leucine at amino acid1008/1337 (exon 14/14). This variant is absent from gnomAD(v3.1) suggesting it is not a common benign variant in the populations represented in that database. In silico algorithms predict this variant to be Damaging (SIFT; score: 0.014) and Benign (REVEL; score:0.054) to the function of the canonical transcript. This variant is absent from ClinVar and to our current knowledge has not been reported in affected individuals in the literature. The p.Phe1008 residue is within the C-terminalcytoplasmic domain of the protein (UniProtKB:O15399). Given the lack of compelling evidence for its pathogenicity, the c.3022T>C (p.Phe1008Leu) variant identified in the GRIN2D gene is reported as a Variant of Uncertain Significance.